The following is an entry in ClinVar:

ClinVar aggregate classification (germline): Uncertain significance. Review status: criteria provided, multiple submitters, no conflicts (2 of 4 stars). 2 submissions from 2 submitters: Uncertain significance (2). Last evaluated 2025-10-09.

Allele frequency attached by ClinVar (database versions not stated): ExAC 0.00002; gnomAD exomes 0.00002; gnomAD 0.00003 and 0.00004; TOPMed 0.00003.
gnomAD v4.1: 49 of 1,613,578 alleles (0.003%); highest among the groups gnomAD compares: East Asian, 0.0045%; no homozygotes.

Submissions (2):

Labcorp Genetics (formerly Invitae), Labcorp
Classification: Uncertain significance. Last evaluated: 2025-10-09. Review status: criteria provided, single submitter. Criteria: Invitae Variant Classification Sherloc (09022015). Collection method: clinical testing. Allele origin: germline.
Comment: This sequence change replaces valine, which is neutral and non-polar, with methionine, which is neutral and non-polar, at codon 130 of the SPP2 protein (p.Val130Met). This variant is present in population databases (rs202217477, gnomAD 0.006%). This variant has not been reported in the literature in individuals affected with SPP2-related conditions. ClinVar contains an entry for this variant (Variation ID: 844139). An algorithm developed to predict the effect of missense changes on protein structure and function (PolyPhen-2) suggests that this variant is likely to be disruptive. In summary, the available evidence is currently insufficient to determine the role of this variant in disease. Therefore, it has been classified as a Variant of Uncertain Significance.

Ambry Genetics
Classification: Uncertain significance. Last evaluated: 2025-01-09. Review status: criteria provided, single submitter. Criteria: Ambry Variant Classification Scheme 2023. Collection method: clinical testing. Allele origin: germline.

NM_006944.3(SPP2):c.388G>A (p.Val130Met)

Gene: SPP2 (secreted phosphoprotein 2; plus strand). Cytogenetic location: 2q37.1.
Variant type: single nucleotide variant.
Coding change: c.388G>A on transcript NM_006944.3 (MANE Select); coding-DNA position 388, G replaced by A.
Protein change: p.Val130Met; replaces valine 130 with methionine.
Molecular consequence: missense variant.
Genome position (GRCh38, 1-based): chr2:234,060,423, G>A. VCF-style: chr2-234060423-G-A. GRCh37 (hg19) VCF-style: chr2-234969067-G-A.
Other names: short protein forms V130M.
Identifiers: ClinVar variation 844139 (VCV000844139.8), dbSNP rs202217477, ClinGen allele CA2183180.
Genomic context (GRCh38, chr2:234,060,423, plus strand): 5'-TTCCAGTCCACAGCTGTTTGCAGAAGCACCGTGAAGGTATCTGCCCAGCAGGTGCAGGGC[G>A]TGCATGCTCGCTGCAGCTGGTCCTCCTCCACGTCTGAGTCTTACAGCAGCGAAGAGGTAT-3'
Protein context (NP_008875.1, residues 120-140): VKVSAQQVQG[Val130Met]HARCSWSSST